The following is an entry in ClinVar:

NM_000059.4(BRCA2):c.7218dup (p.Val2407fs)

Gene: BRCA2 (BRCA2 DNA repair associated; plus strand). Cytogenetic location: 13q13.1.
Variant type: Duplication.
Coding change: c.7218dup on transcript NM_000059.4 (MANE Select); coding-DNA position 7218, one base duplicated (T; older notation c.7218dupT).
Protein change: p.Val2407fs; shifts the reading frame from valine 2407.
Molecular consequence: frameshift variant.
Genome position (GRCh38, 1-based): chr13:32,355,071, T duplicated; the last of 3 consecutive T bases (chr13:32,355,069-32,355,071); duplicating any one gives the same sequence. VCF-style (leftmost placement, unchanged base first): chr13-32355068-C-CT. GRCh37 (hg19) VCF-style: chr13-32929205-C-CT.
Other names: c.7218dupT (NM_000059.3); short protein forms V2407fs.
Identifiers: ClinVar variation 231762 (VCV000231762.5), dbSNP rs876659345, ClinGen allele CA10579728.

ClinVar aggregate classification (germline): Pathogenic. Review status: reviewed by expert panel (3 of 4 stars). 2 submissions from 2 submitters: Pathogenic (1). 1 of the submissions does not count toward it. Last evaluated 2017-12-15.

Conditions:
Hereditary cancer-predisposing syndrome. Also called: Hereditary Cancer Syndrome; Neoplastic Syndromes, Hereditary; Tumor predisposition; Hereditary neoplastic syndrome. Identifiers: Orphanet 140162, MedGen C0027672, MeSH D009386, MONDO:0015356.
Breast-ovarian cancer, familial, susceptibility to, 2 (BROVCA2). Also called: BRCA2 Hereditary Breast and Ovarian Cancer. Identifiers: Orphanet 145, MedGen C2675520, MONDO:0012933, OMIM 612555. Disease mechanism: loss of function.

Submissions (2):

Evidence-based Network for the Interpretation of Germline Mutant Alleles (ENIGMA)
Classification: Pathogenic for Breast-ovarian cancer, familial, susceptibility to, 2. Last evaluated: 2017-12-15. Review status: reviewed by expert panel. Criteria: ENIGMA BRCA1/2 Classification Criteria (2017-06-29). Collection method: curation. Allele origin: germline. Study: ENIGMA.
Comment: Variant allele predicted to encode a truncated non-functional protein.

Ambry Genetics
Classification: Pathogenic for Hereditary cancer-predisposing syndrome. Last evaluated: 2015-05-08. Review status: criteria provided, single submitter. Criteria: Ambry Variant Classification Scheme 2023. Collection method: clinical testing. Allele origin: germline. Not counted in ClinVar's aggregate classification.
Comment: The c.7218dupT pathogenic mutation (also known as 7446insT), located in coding exon 13 of the BRCA2 gene, results from a duplication of T at nucleotide position 7218, causing a translational frameshift with a predicted alternate stop codon. Since frameshifts are typically deleterious in nature, this alteration is interpreted as a disease-causing mutation (ACMG Recommendations for Standards for Interpretation and Reporting of Sequence Variations. Revision 2007. Genet Med. 2008;10:294).